The following is an entry in ClinVar:

NM_014994.3(MAPKBP1):c.3736A>G (p.Thr1246Ala)

Gene: MAPKBP1 (mitogen-activated protein kinase binding protein 1; plus strand). Cytogenetic location: 15q15.1.
Variant type: single nucleotide variant.
Coding change: c.3736A>G on transcript NM_014994.3 (MANE Select); coding-DNA position 3736, A replaced by G.
Protein change: p.Thr1246Ala; replaces threonine 1246 with alanine.
Molecular consequence: missense variant. On other transcripts: non-coding transcript variant (2), intron variant (1).
Genome position (GRCh38, 1-based): chr15:41,823,584, A>G. VCF-style: chr15-41823584-A-G. GRCh37 (hg19) VCF-style: chr15-42115782-A-G.
Other names: c.3754A>G, p.Thr1252Ala (NM_001128608.2); c.3382+578A>G (NM_001265611.2); short protein forms T1246A, T1252A.
Identifiers: ClinVar variation 1997129 (VCV001997129.4), dbSNP rs2551107498, ClinGen allele CA391877306.

ClinVar aggregate classification (germline): Uncertain significance (1 of 4 stars; one submission).

Submission:

Labcorp Genetics (formerly Invitae), Labcorp
Classification: Uncertain significance. Last evaluated: 2022-05-20. Review status: criteria provided, single submitter. Criteria: Invitae Variant Classification Sherloc (09022015). Collection method: clinical testing. Allele origin: germline.
Comment: This variant has not been reported in the literature in individuals affected with MAPKBP1-related conditions. In summary, the available evidence is currently insufficient to determine the role of this variant in disease. Therefore, it has been classified as a Variant of Uncertain Significance. Algorithms developed to predict the effect of missense changes on protein structure and function are either unavailable or do not agree on the potential impact of this missense change (SIFT: "Tolerated"; PolyPhen-2: "Possibly Damaging"; Align-GVGD: "Class C0"). This variant is not present in population databases (gnomAD no frequency). This sequence change replaces threonine, which is neutral and polar, with alanine, which is neutral and non-polar, at codon 1252 of the MAPKBP1 protein (p.Thr1252Ala).